The following is an entry in ClinVar:

NM_032043.3(BRIP1):c.587A>G (p.Asn196Ser)

Gene: BRIP1 (BRCA1 interacting DNA helicase 1; minus strand). Cytogenetic location: 17q23.2.
Variant type: single nucleotide variant.
Coding change: c.587A>G on transcript NM_032043.3 (MANE Select); coding-DNA position 587, A replaced by G.
Protein change: p.Asn196Ser; replaces asparagine 196 with serine.
Molecular consequence: missense variant.
Genome position (GRCh38, 1-based): chr17:61,847,141, T>C on the plus strand (A>G on the coding strand, the complement: BRIP1 is on the minus strand). VCF-style: chr17-61847141-T-C. GRCh37 (hg19) VCF-style: chr17-59924502-T-C.
Other names: p.N196S:AAC>AGC; short protein forms N196S.
Identifiers: ClinVar variation 128194 (VCV000128194.41), dbSNP rs550707862, ClinGen allele CA288606.

ClinVar aggregate classification (germline): Conflicting classifications of pathogenicity. Review status: criteria provided, conflicting classifications (1 of 4 stars). 18 submissions from 17 submitters: Uncertain significance (2); Benign (4); Likely benign (8). 4 of the submissions do not count toward it. Last evaluated 2026-02-03.

Conditions:
Hereditary cancer-predisposing syndrome. Also called: Tumor predisposition; Hereditary neoplastic syndrome; Hereditary Cancer Syndrome; Neoplastic Syndromes, Hereditary. Identifiers: Orphanet 140162, MedGen C0027672, MeSH D009386, MONDO:0015356.
BRIP1-related disorder. Also called: BRIP1-related condition; BRIP1-related disorders. Identifiers: MedGen CN239206.
Breast and/or ovarian cancer. Identifiers: MedGen CN221562.
Familial cancer of breast. Also called: Hereditary breast cancer; hereditary breast carcinoma; BREAST CANCER, FAMILIAL. Identifiers: Orphanet 227535, MedGen C0346153, MONDO:0016419, OMIM 114480. Disease mechanism: loss of function.
Fanconi anemia complementation group J. Also called: BRIP1-Related Fanconi Anemia. Identifiers: Orphanet 84, MedGen C1836860, MONDO:0012187, OMIM 609054.
Hereditary breast ovarian cancer syndrome. Also called: BRCA1- and BRCA2-Associated Hereditary Breast and Ovarian Cancer; Breast and ovarian cancer; Hereditary breast and ovarian cancer syndrome; Hereditary breast and ovarian cancer; Hereditary breast and/or ovarian cancer syndrome; Hereditary breast and ovarian cancer syndrome (HBOC). Identifiers: Orphanet 145, MedGen C0677776, MeSH D061325, MONDO:0003582. Disease mechanism: loss of function.
Cervical cancer. Also called: Cervix cancer; Cervical cancer, somatic; Cancer of cervix. Identifiers: MedGen C4048328, MONDO:0002974, OMIM 603956, HP:0030079.
Malignant tumor of breast. Also called: Cancer breast; Malignant breast neoplasm. Identifiers: MedGen C0006142, MONDO:0007254. Disease mechanism: loss of function.

Allele frequency attached by ClinVar (database versions not stated): gnomAD exomes 0.00016 and 0.00052; gnomAD 0.00017 and 0.00025; TOPMed 0.00041; ExAC 0.00045; 1000 Genomes Project 30x 0.00062; 1000 Genomes Project 0.00080.
gnomAD v4.1: 273 of 1,613,792 alleles (0.017%); highest among the groups gnomAD compares: East Asian, 0.49%; 1 homozygote.

Submissions (18):

Labcorp Genetics (formerly Invitae), Labcorp
Classification: Benign for Familial cancer of breast; Fanconi anemia complementation group J. Last evaluated: 2026-02-03. Review status: criteria provided, single submitter. Criteria: Invitae Variant Classification Sherloc (09022015). Collection method: clinical testing. Allele origin: germline.

Center for Genomic Medicine, Rigshospitalet, Copenhagen University Hospital
Classification: Uncertain significance. Last evaluated: 2025-12-29. Review status: criteria provided, single submitter. Criteria: ACMG Guidelines, 2015. Collection method: clinical testing. Allele origin: germline.

Mayo Clinic Laboratories, Mayo Clinic
Classification: Likely benign. Last evaluated: 2025-03-31. Review status: criteria provided, single submitter. Criteria: ACMG Guidelines, 2015. Collection method: clinical testing. Allele origin: germline. Observed: 1 variant allele.
Comment: BS1, BP4_moderate

Color Diagnostics, LLC DBA Color Health
Classification: Benign for Hereditary cancer-predisposing syndrome. Last evaluated: 2024-09-19. Review status: criteria provided, single submitter. Criteria: ACMG Guidelines, 2015. Collection method: clinical testing. Allele origin: germline.

Myriad Genetics, Inc.
Classification: Likely benign for Familial cancer of breast. Last evaluated: 2024-08-21. Review status: criteria provided, single submitter. Criteria: Myriad Autosomal Dominant, Autosomal Recessive and X-Linked Classification Criteria (2023). Collection method: clinical testing. Allele origin: unknown.
Comment: This variant is considered likely benign. This variant has been observed at a population frequency that is significantly greater than expected given the associated disease prevalence and penetrance.

Quest Diagnostics Nichols Institute San Juan Capistrano
Classification: Benign. Last evaluated: 2023-05-19. Review status: criteria provided, single submitter. Criteria: Quest Diagnostics criteria. Collection method: clinical testing. Allele origin: unknown.

CHEO Genetics Diagnostic Laboratory, Children's Hospital of Eastern Ontario
Classification: Likely benign for Breast and/or ovarian cancer. Last evaluated: 2021-08-25. Review status: criteria provided, single submitter. Criteria: ACMG Guidelines, 2015. Collection method: clinical testing. Allele origin: germline.

Sema4
Classification: Benign for Hereditary cancer-predisposing syndrome. Last evaluated: 2020-12-02. Review status: criteria provided, single submitter. Criteria: Sema4 Curation Guidelines. Collection method: curation. Allele origin: germline.

Cancer Genomics Group, Japanese Foundation For Cancer Research
Classification: Uncertain significance for Hereditary breast and ovarian cancer syndrome. Last evaluated: 2019-05-01. Review status: criteria provided, single submitter. Criteria: ACMG Guidelines, 2015. Collection method: research. Allele origin: germline. Affected: yes.

Genetic Services Laboratory, University of Chicago
Classification: Likely benign. Last evaluated: 2019-04-25. Review status: criteria provided, single submitter. Criteria: ACMG Guidelines, 2015. Collection method: clinical testing. Allele origin: germline. Affected: no.

Ambry Genetics
Classification: Likely benign for Hereditary cancer-predisposing syndrome. Last evaluated: 2019-04-04. Review status: criteria provided, single submitter. Criteria: Ambry Variant Classification Scheme 2023. Collection method: clinical testing. Allele origin: germline.

GeneDx
Classification: Likely benign. Last evaluated: 2018-01-02. Review status: criteria provided, single submitter. Criteria: GeneDx Variant Classification (06012015). Collection method: clinical testing. Allele origin: germline. Affected: yes.
Comment: This variant is considered likely benign or benign based on one or more of the following criteria: it is a conservative change, it occurs at a poorly conserved position in the protein, it is predicted to be benign by multiple in silico algorithms, and/or has population frequency not consistent with disease.

Illumina Laboratory Services, Illumina
Classification: Likely benign for Fanconi anemia complementation group J. Last evaluated: 2017-11-07. Review status: criteria provided, single submitter. Criteria: ICSL Variant Classification Criteria 13 December 2019. Collection method: clinical testing. Allele origin: germline.
Comment: This variant was observed as part of a predisposition screen in an ostensibly healthy population. A literature search was performed for the gene, cDNA change, and amino acid change (where applicable). No publications were found based on this search. Allele frequency data from public databases allowed determination this variant is unlikely to cause disease. Therefore, this variant is classified as likely benign.

Women's Health and Genetics/Laboratory Corporation of America, LabCorp
Classification: Likely benign. Last evaluated: 2017-05-15. Review status: criteria provided, single submitter. Criteria: LabCorp Variant Classification Summary - May 2015. Collection method: clinical testing. Allele origin: germline.
Comment: Variant summary: The BRIP1 c.587A>G (p.Asn196Ser) variant involves the alteration of a non-conserved nucleotide. 5/5 in silico tools predict a benign outcome for this variant. This variant was found in 55/121326 control chromosomes, predominantly observed in the East Asian subpopulation at a frequency of 0.005904 (51/8638). This frequency is about 94 times the estimated maximal expected allele frequency of a pathogenic BRIP1 variant (0.0000625), suggesting this is likely a benign polymorphism found primarily in the populations of East Asian origin. The variant has been reported in three East Asian patients with breast cancer in the literature (Cao_2009, Kim_2016), without strong evidence for causality. Multiple clinical diagnostic laboratories/reputable databases have classified this variant as likely benign. Taken together, this variant is classified as "likely benign".

PreventionGenetics, part of Exact Sciences
Classification: Likely benign for BRIP1-related condition. Last evaluated: 2021-04-06. Review status: no assertion criteria provided. Collection method: clinical testing. Allele origin: germline. Not counted in ClinVar's aggregate classification.
Comment: This variant is classified as likely benign based on ACMG/AMP sequence variant interpretation guidelines (Richards et al. 2015 PMID: 25741868, with internal and published modifications).

Leiden Open Variation Database
Classification: Benign. Last evaluated: 2019-08-13. Review status: no assertion criteria provided. Collection method: curation. Allele origin: germline. Affected: yes. Not counted in ClinVar's aggregate classification.
Comment: Curator: Arleen D. Auerbach. Submitter to LOVD: Yukihide Momozawa.

Department of Pathology and Laboratory Medicine, Sinai Health System
Classification: Likely benign for Cervical cancer. Review status: no assertion criteria provided. Collection method: clinical testing. Allele origin: unknown. Affected: yes. Observed: 1 variant allele. Study: The Canadian Open Genetics Repository (COGR). Not counted in ClinVar's aggregate classification.
Comment: The BRIP1 p.Asn196Ser variant was identified in 5 of 1236 proband chromosomes (frequency: 0.004) from individuals or families with breast cancer (Kim 2016, Liu 2017, Cao 2009). The variant was also identified in dbSNP (ID: rs550707862) as "With Likely benign allele", ClinVar (classified as likely benign by Invitae, Ambry Genetics, GeneDx, and Integrated Genetics). The variant was identified in control databases in 136 of 277096 chromosomes (1 homozygous) at a frequency of 0.0005 (Genome Aggregation Database Feb 27, 2017). The variant was observed in the following populations: Other in 1 of 6462 chromosomes (freq: 0.0002), Latino in 2 of 34414 chromosomes (freq: 0.00006), European Non-Finnish in 2 of 126626 chromosomes (freq: 0.00002), East Asian in 123 of 18854 chromosomes (freq: 0.007), and South Asian in 8 of 30782 chromosomes (freq: 0.0003), while the variant was not observed in the African, Ashkenazi Jewish or European Finnish populations. The p.Asn196 residue is not conserved in mammals and computational analyses (PolyPhen-2, SIFT, AlignGVGD, BLOSUM, MutationTaster) do not suggest a high likelihood of impact to the protein; however, this information is not predictive enough to rule out pathogenicity. The variant occurs outside of the splicing consensus sequence and in silico or computational prediction software programs (SpliceSiteFinder, MaxEntScan, NNSPLICE, GeneSplicer) do not predict a difference in splicing. In summary, based on the above information, the clinical significance of this variant cannot be determined with certainty at this time although we would lean towards a more benign role for this variant. This variant is classified as likely benign.

Department of Pathology and Laboratory Medicine, Sinai Health System
Classification: Likely benign for Malignant tumor of breast. Review status: no assertion criteria provided. Collection method: clinical testing. Allele origin: unknown. Affected: yes. Observed: 1 variant allele. Study: The Canadian Open Genetics Repository (COGR). Not counted in ClinVar's aggregate classification.
Comment: the same text as in the submission from Department of Pathology and Laboratory Medicine, Sinai Health System above.

Literature cited by the submitters: PubMed 31214711 (cited by Quest Diagnostics Nichols Institute San Juan Capistrano and Leiden Open Variation Database); PubMed 26790966 (cited by Quest Diagnostics Nichols Institute San Juan Capistrano and Women's Health and Genetics/Laboratory Corporation of America, LabCorp); PubMed 18483852 (cited by 3 submitters).